The following is an entry in ClinVar:

NM_003985.6(TNK1):c.1434A>G (p.Pro478=)

Gene: TNK1 (tyrosine kinase non receptor 1; plus strand). Cytogenetic location: 17p13.1.
Variant type: single nucleotide variant.
Coding change: c.1434A>G on transcript NM_003985.6 (MANE Select); coding-DNA position 1434, A replaced by G.
Protein change: p.Pro478=; no amino-acid change (proline 478 retained).
Molecular consequence: synonymous variant.
Genome position (GRCh38, 1-based): chr17:7,387,414, A>G. VCF-style: chr17-7387414-A-G. GRCh37 (hg19) VCF-style: chr17-7290733-A-G.
Other names: c.1449A>G, p.Pro483= (NM_001251902.3).
Identifiers: ClinVar variation 3033348 (VCV003033348.2), dbSNP rs191861153, ClinGen allele CA8345211.

ClinVar aggregate classification (germline): Benign (0 of 4 stars; one submission).

Conditions:
TNK1-related disorder. Also called: TNK1-related condition.

Allele frequency attached by ClinVar (database versions not stated): ESP Exome Variant Server 0.00024; gnomAD exomes 0.00056; gnomAD 0.00073; TOPMed 0.00121; ExAC 0.00202; 1000 Genomes Project 30x 0.00344; 1000 Genomes Project 0.00359.
gnomAD v4.1: 937 of 1,605,936 alleles (0.058%); highest among the groups gnomAD compares: East Asian, 1.9%; 10 homozygotes.

Submission:

PreventionGenetics, part of Exact Sciences
Classification: Benign for TNK1-related condition. Last evaluated: 2019-09-17. Review status: no assertion criteria provided. Collection method: clinical testing. Allele origin: germline.
Comment: This variant is classified as benign based on ACMG/AMP sequence variant interpretation guidelines (Richards et al. 2015 PMID: 25741868, with internal and published modifications).